The following is an entry in ClinVar:

NM_170707.4(LMNA):c.357-3741C>T

Gene: LMNA (lamin A/C; plus strand). Cytogenetic location: 1q22.
Variant type: single nucleotide variant.
Coding change: c.357-3741C>T on transcript NM_170707.4 (MANE Select); 3741 bases into the intron before coding-DNA position 357, C replaced by T.
Molecular consequence: intron variant. On other transcripts: missense variant (3), 5 prime UTR variant (2).
Genome position (GRCh38, 1-based): chr1:156,126,876, C>T. VCF-style: chr1-156126876-C-T. GRCh37 (hg19) VCF-style: chr1-156096667-C-T.
Other names: c.74C>T, p.Pro25Leu (NM_001282624.2, NM_001406986.1, NM_001406987.1); c.-276C>T (NM_001406996.1); c.-348C>T (NM_001406999.1); c.357-3741C>T (NM_001406983.1, NM_001282625.2, NM_001406984.1 and 6 more transcripts); c.-45-7527C>T (NM_001407002.1, NM_001406995.1, NM_001406990.1); c.-202-3741C>T (NM_001406993.1, NM_001407003.1); c.-308-3741C>T (NM_001407000.1, NM_001406994.1); c.-151-7527C>T (NM_001407001.1); and 3 more; short protein forms P25L.
Identifiers: ClinVar variation 4685655 (VCV004685655.1).

ClinVar aggregate classification (germline): Uncertain significance (1 of 4 stars; one submission).

gnomAD v4.1: 23 of 1,611,268 alleles (0.0014%); highest among the groups gnomAD compares: Admixed American, 0.0033%; no homozygotes.

Submission:

ARUP Laboratories, Molecular Genetics and Genomics, ARUP Laboratories
Classification: Uncertain significance. Last evaluated: 2025-03-03. Review status: criteria provided, single submitter. Criteria: ARUP Molecular Germline Variant Investigation Process 2024. Collection method: clinical testing. Allele origin: germline.
Comment: The LMNA c.357-3741C>T variant (rs770340403), also known as c.74C>T; p.Pro25Leu for NM_001282624.2, is reported in the literature in one case of sudden death (Lahrouchi 2020). This variant is only observed on five alleles in the Genome Aggregation Database (v2.1.1), indicating it is not a common polymorphism. Computational analyses predict that this variant is neutral (REVEL: 0.133). This variant is found in an alternate transcript of LMNA that is not highly expressed in heart/muscle tissues (Genotype-Tissue Expression project), however the association with LMNA-related disease is unknown. Due to limited information, the clinical significance of this variant is uncertain at this time. References: Lahrouchi N et al. The yield of postmortem genetic testing in sudden death cases with structural findings at autopsy. Eur J Hum Genet. 2020 Jan;28(1):17-22. PMID: 31534214.